The following is an entry in ClinVar:

ClinVar aggregate classification (germline): Likely benign (0 of 4 stars; one submission).

Conditions:
HACL1-related disorder. Also called: HACL1-related condition.

Allele frequency attached by ClinVar (database versions not stated): gnomAD 0.00005; TOPMed 0.00005; ExAC 0.00006; gnomAD exomes 0.00008; 1000 Genomes Project 0.00020; 1000 Genomes Project 30x 0.00031.
gnomAD v4.1: 118 of 1,610,880 alleles (0.0073%); highest among the groups gnomAD compares: Middle Eastern, 0.099%; no homozygotes.

Submission:

PreventionGenetics, part of Exact Sciences
Classification: Likely benign for HACL1-related condition. Last evaluated: 2019-08-15. Review status: no assertion criteria provided. Collection method: clinical testing. Allele origin: germline.
Comment: This variant is classified as likely benign based on ACMG/AMP sequence variant interpretation guidelines (Richards et al. 2015 PMID: 25741868, with internal and published modifications).

NM_012260.4(HACL1):c.668-3T>C

Gene: HACL1 (2-hydroxyacyl-CoA lyase 1; minus strand). Cytogenetic location: 3p25.1.
Variant type: single nucleotide variant.
Coding change: c.668-3T>C on transcript NM_012260.4 (MANE Select); 3 bases into the intron before coding-DNA position 668, T replaced by C.
Molecular consequence: intron variant.
Genome position (GRCh38, 1-based): chr3:15,580,048, A>G on the plus strand (T>C on the coding strand, the complement: HACL1 is on the minus strand). VCF-style: chr3-15580048-A-G. GRCh37 (hg19) VCF-style: chr3-15621555-A-G.
Other names: c.587-3T>C (NM_001284413.2); c.422-3T>C (NM_001284416.2); c.590-3T>C (NM_001284415.2).
Identifiers: ClinVar variation 3052625 (VCV003052625.2), dbSNP rs567749845, ClinGen allele CA2276796.